The following is an entry in ClinVar:

NM_014915.3(ANKRD26):c.2759A>G (p.Glu920Gly)

Gene: ANKRD26 (ankyrin repeat domain 26; minus strand). Cytogenetic location: 10p12.1.
Variant type: single nucleotide variant.
Coding change: c.2759A>G on transcript NM_014915.3 (MANE Select); coding-DNA position 2759, A replaced by G.
Protein change: p.Glu920Gly; replaces glutamic acid 920 with glycine.
Molecular consequence: missense variant.
Genome position (GRCh38, 1-based): chr10:27,035,691, T>C on the plus strand (A>G on the coding strand, the complement: ANKRD26 is on the minus strand). VCF-style: chr10-27035691-T-C. GRCh37 (hg19) VCF-style: chr10-27324620-T-C.
Other names: c.2756A>G, p.Glu919Gly (NM_001256053.2); short protein forms E920G, E919G.
Identifiers: ClinVar variation 5023397 (VCV005023397.1).

ClinVar aggregate classification (germline): Uncertain significance (1 of 4 stars; one submission).

Conditions:
Inborn genetic diseases. Identifiers: MedGen C0950123, MeSH D030342.

gnomAD v4.1: 1 of 1,603,342 alleles (0.000062%); highest among the groups gnomAD compares: Admixed American, 0.0018%; no homozygotes.

Submission:

Ambry Genetics
Classification: Uncertain significance for Inborn genetic diseases. Last evaluated: 2026-08-02. Review status: criteria provided, single submitter. Criteria: Ambry Variant Classification Scheme 2023. Collection method: clinical testing. Allele origin: germline.
Comment: The p.E920G variant (also known as c.2759A>G), located in coding exon 24 of the ANKRD26 gene, results from an A to G substitution at nucleotide position 2759. The glutamic acid at codon 920 is replaced by glycine, an amino acid with similar properties. This amino acid position is conserved. In addition, this alteration is predicted to be tolerated by in silico analysis. Based on the available evidence, the clinical significance of this variant remains unclear.